The following is an entry in ClinVar:

ClinVar aggregate classification (germline): Pathogenic/Likely pathogenic. Review status: criteria provided, multiple submitters, no conflicts (2 of 4 stars). 3 submissions from 3 submitters: Pathogenic (2); Likely pathogenic (1). Last evaluated 2023-05-09.

Conditions:
Marfan syndrome (MFS). Also called: Marfan syndrome type 1; Marfan syndrome, classic; Marfan's syndrome; FBN1-Related Marfan Syndrome; MARFAN SYNDROME, TYPE I. Identifiers: Orphanet 284963, Orphanet 558, MedGen C0024796, MONDO:0007947, OMIM 154700.

Allele frequency attached by ClinVar (database versions not stated): gnomAD exomes below 0.00001; ExAC 0.00001.
gnomAD v4.1: 1 of 1,614,106 alleles (0.000062%); highest among the groups gnomAD compares: South Asian, 0.0011%; no homozygotes.

Submissions (3):

Clinical Genetics Laboratory, Skane University Hospital Lund
Classification: Likely pathogenic. Last evaluated: 2023-05-09. Review status: criteria provided, single submitter. Criteria: ACMG Guidelines, 2015. Collection method: clinical testing. Allele origin: germline. Affected: yes.

GeneDx
Classification: Pathogenic. Last evaluated: 2021-08-26. Review status: criteria provided, single submitter. Criteria: GeneDx Variant Classification Process June 2021. Collection method: clinical testing. Allele origin: germline. Affected: yes.
Comment: Identified in a patient with Marfan syndome in the published literature (Takeda et al., 2018); Nonsense variant predicted to result in protein truncation or nonsense mediated decay in a gene for which loss-of-function is a known mechanism of disease; Not observed at significant frequency in large population cohorts (Lek et al., 2016); This variant is associated with the following publications: (PMID: 29848614)

Laboratory for Molecular Medicine, Mass General Brigham Personalized Medicine
Classification: Pathogenic for Marfan syndrome. Last evaluated: 2019-04-16. Review status: criteria provided, single submitter. Criteria: ACMG Guidelines, 2015. Collection method: clinical testing. Allele origin: germline. Inheritance: Autosomal dominant inheritance.
Comment: The p.Gln2328X variant in FBN1 has been previously reported in 1 individual with Marfan syndrome (Takeda 2018) and has been identified in 1/30608 South Asian chromosomes by gnomAD. This variant has also been reported in ClinVar (Variation ID 523797). This nonsense variant leads to a premature termination codon at position 2328, which is predicted to lead to a truncated or absent protein. Heterozygous loss of function of the FBN1 gene is an established disease mechanism in Marfan syndrome. In summary, the p.Gln2328X variant meets criteria to be classified as pathogenic for autosomal dominant Marfan syndrome. ACMG/AMP Criteria applied: PVS1, PM2, PS4_Supporting.

Literature cited by the submitters: PubMed 29848614 (cited by Laboratory for Molecular Medicine, Mass General Brigham Personalized Medicine).

NM_000138.5(FBN1):c.6982C>T (p.Gln2328Ter)

Gene: FBN1 (fibrillin 1; minus strand). Cytogenetic location: 15q21.1.
Variant type: single nucleotide variant.
Coding change: c.6982C>T on transcript NM_000138.5 (MANE Select); coding-DNA position 6982, C replaced by T.
Protein change: p.Gln2328Ter; replaces glutamine 2328 with a stop codon.
Molecular consequence: nonsense.
Genome position (GRCh38, 1-based): chr15:48,428,361, G>A on the plus strand (C>T on the coding strand, the complement: FBN1 is on the minus strand). VCF-style: chr15-48428361-G-A. GRCh37 (hg19) VCF-style: chr15-48720558-G-A.
Other names: short protein forms Q2328*.
Identifiers: ClinVar variation 523797 (VCV000523797.5), dbSNP rs371097218, ClinGen allele CA057638.
Genomic context (GRCh38, chr15:48,428,361, plus strand): 5'-GTGTGGAGGCTGAGGTTAGGAAAGTGCGGTGCCAACTGTACTCACCAAGGCACTCGTCCT[G>A]GTTGGGGCTGGCGGTAAACCCATCATTACACTCACAGGTGTAGCTCCCACGGGTGTTGAG-3'